The following is an entry in ClinVar:

NM_030962.4(SBF2):c.304G>T (p.Gly102Cys)

Gene: SBF2 (SET binding factor 2; minus strand). Cytogenetic location: 11p15.4.
Variant type: single nucleotide variant.
Coding change: c.304G>T on transcript NM_030962.4 (MANE Select); coding-DNA position 304, G replaced by T.
Protein change: p.Gly102Cys; replaces glycine 102 with cysteine.
Molecular consequence: missense variant.
Genome position (GRCh38, 1-based): chr11:10,031,146, C>A on the plus strand (G>T on the coding strand, the complement: SBF2 is on the minus strand). VCF-style: chr11-10031146-C-A. GRCh37 (hg19) VCF-style: chr11-10052693-C-A.
Other names: c.304G>T, p.Gly102Cys (NM_001386339.1, NM_001386342.1); short protein forms G102C.
Identifiers: ClinVar variation 245722 (VCV000245722.2), dbSNP rs879253916, ClinGen allele CA10584312.

ClinVar aggregate classification (germline): Uncertain significance (1 of 4 stars; one submission).

Submission:

GeneDx
Classification: Uncertain significance. Last evaluated: 2015-04-22. Review status: criteria provided, single submitter. Criteria: GeneDx Variant Classification (06012015). Collection method: clinical testing. Allele origin: germline. Affected: yes.
Comment: The G102C variant has not been published as a pathogenic variant, nor has it been reported as a benign polymorphism to our knowledge. It was not observed in approximately 6,500 individuals of European and African American ancestry in the NHLBI Exome Sequencing Project, indicating it is not a common benign variant in these populations. The G102C variant is a non-conservative amino acid substitution, which is likely to impact secondary protein structure as these residues differ in polarity, charge, size and/or other properties. In silico analysis predicts this variant is probably damaging to the protein structure/function. However, this substitution occurs at a position that is not conserved across species and missense variants in nearby residues have not been reported in the Human Gene Mutation Database (Stenson et al., 2014). Therefore, based on the currently available information, it is unclear whether this variant is a pathogenic or a rare benign variant.